The following is an entry in ClinVar:

ClinVar aggregate classification (germline): Uncertain significance (1 of 4 stars; one submission).

Submission:

Labcorp Genetics (formerly Invitae), Labcorp
Classification: Uncertain significance. Last evaluated: 2022-03-03. Review status: criteria provided, single submitter. Criteria: Invitae Variant Classification Sherloc (09022015). Collection method: clinical testing. Allele origin: germline.
Comment: This variant is not present in population databases (gnomAD no frequency). This sequence change replaces histidine, which is basic and polar, with asparagine, which is neutral and polar, at codon 384 of the EIF2B5 protein (p.His384Asn). This variant has not been reported in the literature in individuals affected with EIF2B5-related conditions. In summary, the available evidence is currently insufficient to determine the role of this variant in disease. Therefore, it has been classified as a Variant of Uncertain Significance. Advanced modeling of protein sequence and biophysical properties (such as structural, functional, and spatial information, amino acid conservation, physicochemical variation, residue mobility, and thermodynamic stability) performed at Invitae indicates that this missense variant is not expected to disrupt EIF2B5 protein function.

NM_003907.3(EIF2B5):c.1150C>A (p.His384Asn)

Gene: EIF2B5 (eukaryotic translation initiation factor 2B subunit epsilon; plus strand). Cytogenetic location: 3q27.1.
Variant type: single nucleotide variant.
Coding change: c.1150C>A on transcript NM_003907.3 (MANE Select); coding-DNA position 1150, C replaced by A.
Protein change: p.His384Asn; replaces histidine 384 with asparagine.
Molecular consequence: missense variant.
Genome position (GRCh38, 1-based): chr3:184,140,724, C>A. VCF-style: chr3-184140724-C-A. GRCh37 (hg19) VCF-style: chr3-183858512-C-A.
Other names: short protein forms H384N.
Identifiers: ClinVar variation 1422052 (VCV001422052.8), dbSNP rs2109009254, ClinGen allele CA355386427.